The following is an entry in ClinVar:

NM_015559.3(SETBP1):c.3779C>T (p.Thr1260Met)

Gene: SETBP1 (SET binding protein 1; plus strand). Cytogenetic location: 18q12.3.
Variant type: single nucleotide variant.
Coding change: c.3779C>T on transcript NM_015559.3 (MANE Select); coding-DNA position 3779, C replaced by T.
Protein change: p.Thr1260Met; replaces threonine 1260 with methionine.
Molecular consequence: missense variant.
Genome position (GRCh38, 1-based): chr18:44,953,119, C>T. VCF-style: chr18-44953119-C-T. GRCh37 (hg19) VCF-style: chr18-42533084-C-T.
Other names: c.3779C>T, p.Thr1260Met (LRG_1150t1); short protein forms T1260M.
Identifiers: ClinVar variation 599470 (VCV000599470.14), dbSNP rs146524875, ClinGen allele CA8945979.

ClinVar aggregate classification (germline): Benign/Likely benign. Review status: criteria provided, multiple submitters, no conflicts (2 of 4 stars). 4 submissions from 4 submitters: Benign (1); Likely benign (3). Last evaluated 2025-12-12.

Conditions:
SETBP1-related disorder. Also called: SETBP1-related condition; SETBP1-related disorders.

Allele frequency attached by ClinVar (database versions not stated): ExAC 0.00006; gnomAD 0.00009; gnomAD exomes 0.00011; TOPMed 0.00014; 1000 Genomes Project 30x 0.00016; 1000 Genomes Project 0.00020; ESP Exome Variant Server 0.00023.
gnomAD v4.1: 90 of 1,614,050 alleles (0.0056%); highest among the groups gnomAD compares: Admixed American, 0.028%; no homozygotes.

Submissions (4):

PreventionGenetics, part of Exact Sciences
Classification: Likely benign for SETBP1-related condition. Last evaluated: 2025-12-12. Review status: criteria provided, single submitter. Criteria: ACMG Guidelines, 2015. Collection method: clinical testing. Allele origin: germline.
Comment: This variant is classified as likely benign based on ACMG/AMP sequence variant interpretation guidelines (Richards et al. 2015 PMID: 25741868, with internal and published modifications).

Labcorp Genetics (formerly Invitae), Labcorp
Classification: Likely benign. Last evaluated: 2025-09-14. Review status: criteria provided, single submitter. Criteria: Invitae Variant Classification Sherloc (09022015). Collection method: clinical testing. Allele origin: germline.

Blueprint Genetics
Classification: Likely benign. Last evaluated: 2023-07-25. Review status: criteria provided, single submitter. Criteria: ACMG Guidelines, 2015. Collection method: clinical testing. Allele origin: germline.

Institute for Genomic Medicine (IGM) Clinical Laboratory, Nationwide Children's Hospital
Classification: Benign. Last evaluated: 2017-12-18. Review status: criteria provided, single submitter. Criteria: ACMG Guidelines, 2015. Collection method: clinical testing. Allele origin: germline.
Comment: BS1, BS2, BP4; This alteration has an allele frequency that is greater than expected for the associated disease, was seen in a healthy adult where full penetrance of the disorder is expected at an early age, and is predicted to be tolerated by multiple functional prediction tools.